The following is an entry in ClinVar:

ClinVar aggregate classification (germline): Likely pathogenic (1 of 4 stars; one submission).

Conditions:
Bardet-Biedl syndrome (BBS). Identifiers: Orphanet 110, MedGen C0752166, MONDO:0015229.

Submission:

Labcorp Genetics (formerly Invitae), Labcorp
Classification: Likely pathogenic for Bardet-Biedl syndrome. Last evaluated: 2022-11-01. Review status: criteria provided, single submitter. Criteria: Invitae Variant Classification Sherloc (09022015). Collection method: clinical testing. Allele origin: germline.
Comment: In summary, the currently available evidence indicates that the variant is pathogenic, but additional data are needed to prove that conclusively. Therefore, this variant has been classified as Likely Pathogenic. This variant has not been reported in the literature in individuals affected with BBS9-related conditions. This variant results in a copy number gain of the genomic region encompassing exon(s) 8-9 of the BBS9 gene. While the exact position of this variant cannot be determined from the data, sub-genic copy number gains are generally in tandem (PMID: 25640679). This variant is predicted to be out-of-frame, and may result in an absent or disrupted protein product. Loss-of-function variants in BBS9 are known to be pathogenic (PMID: 16380913, 20177705).

Literature cited by the submitters: PubMed 25640679; PubMed 16380913; PubMed 20177705.

NC_000007.13:g.(?_33312604)_(33313588_?)dup

Gene: BBS9 (Bardet-Biedl syndrome 9; plus strand). Cytogenetic location: 7p14.3.
Variant type: Duplication.
Identifiers: ClinVar variation 1349027 (VCV001349027.5).